The following is an entry in ClinVar:

NM_024079.5(ALG8):c.320G>T (p.Arg107Ile)

Gene: ALG8 (ALG8 alpha-1,3-glucosyltransferase; minus strand). Cytogenetic location: 11q14.1.
Variant type: single nucleotide variant.
Coding change: c.320G>T on transcript NM_024079.5 (MANE Select); coding-DNA position 320, G replaced by T.
Protein change: p.Arg107Ile; replaces arginine 107 with isoleucine.
Molecular consequence: missense variant.
Genome position (GRCh38, 1-based): chr11:78,124,069, C>A on the plus strand (G>T on the coding strand, the complement: ALG8 is on the minus strand). VCF-style: chr11-78124069-C-A. GRCh37 (hg19) VCF-style: chr11-77835115-C-A.
Other names: c.320G>T, p.Arg107Ile (NM_001425223.1, NM_001425224.1, NM_001425225.1 and 14 more transcripts); c.167G>T, p.Arg56Ile (NM_001425226.1, NM_001425235.1, NM_001425236.1); c.119G>T, p.Arg40Ile (NM_001425231.1); c.56G>T, p.Arg19Ile (NM_001425234.1, NM_001425239.1); c.-193G>T (NM_001425241.1); c.-231G>T (NM_001425242.1); c.323G>T, p.Arg108Ile (NM_001425219.1); short protein forms R108I, R107I, R40I, R56I, R19I.
Identifiers: ClinVar variation 2697789 (VCV002697789.3), dbSNP rs2497113909, ClinGen allele CA382120855.
Genomic context (GRCh38, chr11:78,124,069, plus strand): 5'-CTCCAGACTTACTCACGGACAGCATACACAAAGAGTACATCCATAAAGATGACGGAAAAT[C>A]TCTGGAAAAGTAAGGTCCTTGAGCTGGAGTAATTCAAATTATGGACATTCAGCATTTCTT-3'
Protein context (NP_076984.2, residues 97-117): YSSSRTLLFQ[Arg107Ile]FSVIFMDVLF

ClinVar aggregate classification (germline): Uncertain significance (1 of 4 stars; one submission).

Conditions:
ALG8 congenital disorder of glycosylation. Also called: CONGENITAL DISORDER OF GLYCOSYLATION, TYPE Ih; ALG8-CDG; CDG Ih. Identifiers: Orphanet 79325, MedGen C2931002, MONDO:0011969, OMIM 608104.

Submission:

Labcorp Genetics (formerly Invitae), Labcorp
Classification: Uncertain significance for ALG8 congenital disorder of glycosylation. Last evaluated: 2023-11-20. Review status: criteria provided, single submitter. Criteria: Invitae Variant Classification Sherloc (09022015). Collection method: clinical testing. Allele origin: germline.
Comment: This sequence change replaces arginine, which is basic and polar, with isoleucine, which is neutral and non-polar, at codon 107 of the ALG8 protein (p.Arg107Ile). This variant is not present in population databases (gnomAD no frequency). This variant has not been reported in the literature in individuals affected with ALG8-related conditions. Advanced modeling of protein sequence and biophysical properties (such as structural, functional, and spatial information, amino acid conservation, physicochemical variation, residue mobility, and thermodynamic stability) performed at Invitae indicates that this missense variant is expected to disrupt ALG8 protein function with a positive predictive value of 80%. In summary, the available evidence is currently insufficient to determine the role of this variant in disease. Therefore, it has been classified as a Variant of Uncertain Significance.